The following is an entry in ClinVar:

ClinVar aggregate classification (germline): Likely pathogenic (1 of 4 stars; one submission).

Conditions:
Sotos syndrome (SOTOS). Also called: CHROMOSOME 5q35 DELETION SYNDROME; SOTOS SYNDROME 1; CEREBRAL GIGANTISM; Sotos' syndrome; Distinctive facial appearance, overgrowth in childhood, and learning disabilities or delayed development. Identifiers: Orphanet 821, MedGen C0175695, MONDO:0019349, OMIM 117550.

Submission:

Molecular Genetics Department, Kulakov National Medical Research Center for Obstetrics, Gynecology and Perinatology
Classification: Likely pathogenic for Sotos syndrome. Review status: criteria provided, single submitter. Criteria: ACMG Guidelines, 2015. Collection method: clinical testing. Allele origin: germline. Affected: yes.
Comment: A previously undescribed nucleotide variant creates a frameshift p.Val1381LysfsTer14 in the NSD1 gene. Loss-of-function variants are reported in patients with Sotos syndrome, 117550. The variant is not present in population database (gnomAD no frequency). In summary, the currently available evidence indicates that the variant is pathogenic, but additional data are needed to prove that conclusively. Therefore, this variant has been classified as likely pathogenic.

NM_022455.5(NSD1):c.4139_4140dup (p.Val1381fs)

Gene: NSD1 (nuclear receptor binding SET domain protein 1; plus strand). Cytogenetic location: 5q35.3.
Variant type: Duplication.
Coding change: c.4139_4140dup on transcript NM_022455.5 (MANE Select); coding-DNA positions 4139 to 4140, 2 bases duplicated (AA; older notation c.4139_4140dupAA).
Protein change: p.Val1381fs; shifts the reading frame from valine 1381.
Molecular consequence: frameshift variant.
Genome position (GRCh38, 1-based): chr5:177,238,454-177,238,455, AA duplicated. VCF-style (leftmost placement, unchanged base first): chr5-177238453-G-GAA. GRCh37 (hg19) VCF-style: chr5-176665454-G-GAA.
Other names: c.3266_3267dup, p.Val1090fs (NM_001365684.2, NM_001409306.1, NM_001409307.1 and 3 more transcripts); c.4139_4140dup, p.Val1381fs (NM_001409301.1, NM_001409302.1, NM_001409303.1); c.3719_3720dup, p.Val1241fs (NM_001409304.1); c.3386_3387dup, p.Val1130fs (NM_001409305.1); short protein forms V1090fs, V1130fs, V1241fs, V1381fs.
Identifiers: ClinVar variation 3062273 (VCV003062273.1), dbSNP rs2480591628, ClinGen allele CA2740094187.